The following is an entry in ClinVar:

NM_013432.5(TONSL):c.42A>C (p.Lys14Asn)

Genes: TONSL (tonsoku like, DNA repair protein; minus strand), LOC130001399 (ATAC-STARR-seq lymphoblastoid silent region 19685; plus strand). Cytogenetic location: 8q24.3.
Variant type: single nucleotide variant.
Coding change: c.42A>C on transcript NM_013432.5 (MANE Select); coding-DNA position 42, A replaced by C.
Protein change: p.Lys14Asn; replaces lysine 14 with asparagine.
Molecular consequence: missense variant.
Genome position (GRCh38, 1-based): chr8:144,444,259, T>G on the plus strand (A>C on the coding strand, the complement: TONSL is on the minus strand). VCF-style: chr8-144444259-T-G. GRCh37 (hg19) VCF-style: chr8-145669642-T-G.
Other names: short protein forms K14N.
Identifiers: ClinVar variation 1523136 (VCV001523136.8), dbSNP rs2129706126, ClinGen allele CA372680089.

ClinVar aggregate classification (germline): Uncertain significance (1 of 4 stars; one submission).

Allele frequency attached by ClinVar (database versions not stated): gnomAD exomes below 0.00001.
gnomAD v4.1: 3 of 1,453,736 alleles (0.00021%); highest among the groups gnomAD compares: Non-Finnish European, 0.00018%; no homozygotes.

Submission:

Labcorp Genetics (formerly Invitae), Labcorp
Classification: Uncertain significance. Last evaluated: 2022-01-15. Review status: criteria provided, single submitter. Criteria: Invitae Variant Classification Sherloc (09022015). Collection method: clinical testing. Allele origin: germline.
Comment: In summary, the available evidence is currently insufficient to determine the role of this variant in disease. Therefore, it has been classified as a Variant of Uncertain Significance. Algorithms developed to predict the effect of missense changes on protein structure and function are either unavailable or do not agree on the potential impact of this missense change (SIFT: "Deleterious"; PolyPhen-2: "Possibly Damaging"; Align-GVGD: "Class C0"). This variant has not been reported in the literature in individuals affected with TONSL-related conditions. This variant is not present in population databases (gnomAD no frequency). This sequence change replaces lysine, which is basic and polar, with asparagine, which is neutral and polar, at codon 14 of the TONSL protein (p.Lys14Asn).